The following is an entry in ClinVar:

NM_003072.5(SMARCA4):c.2340G>C (p.Glu780Asp)

Gene: SMARCA4 (SWI/SNF related BAF chromatin remodeling complex subunit ATPase 4; plus strand). Cytogenetic location: 19p13.2.
Variant type: single nucleotide variant.
Coding change: c.2340G>C on transcript NM_003072.5 (MANE Select); coding-DNA position 2340, G replaced by C.
Protein change: p.Glu780Asp; replaces glutamic acid 780 with aspartic acid.
Molecular consequence: missense variant. On other transcripts: non-coding transcript variant (1).
Genome position (GRCh38, 1-based): chr19:11,013,014, G>C. VCF-style: chr19-11013014-G-C. GRCh37 (hg19) VCF-style: chr19-11123690-G-C.
Other names: c.2340G>C, p.Glu780Asp (NM_001128844.3, NM_001128845.2, NM_001128846.2 and 5 more transcripts); short protein forms E780D.
Identifiers: ClinVar variation 1335324 (VCV001335324.36), dbSNP rs2146278687, ClinGen allele CA404053144.

ClinVar aggregate classification (germline): Uncertain significance. Review status: criteria provided, multiple submitters, no conflicts (2 of 4 stars). 2 submissions from 2 submitters: Uncertain significance (2). Last evaluated 2025-10-19.

Conditions:
Rhabdoid tumor predisposition syndrome 2 (RTPS2). Identifiers: Orphanet 231108, Orphanet 69077, MedGen C2750074, MONDO:0013224, OMIM 613325.

Submissions (2):

Labcorp Genetics (formerly Invitae), Labcorp
Classification: Uncertain significance for Rhabdoid tumor predisposition syndrome 2. Last evaluated: 2025-10-19. Review status: criteria provided, single submitter. Criteria: Invitae Variant Classification Sherloc (09022015). Collection method: clinical testing. Allele origin: germline.
Comment: This sequence change replaces glutamic acid, which is acidic and polar, with aspartic acid, which is acidic and polar, at codon 780 of the SMARCA4 protein (p.Glu780Asp). This variant is not present in population databases (gnomAD no frequency). This variant has not been reported in the literature in individuals affected with SMARCA4-related conditions. ClinVar contains an entry for this variant (Variation ID: 1335324). Invitae Evidence Modeling of protein sequence and biophysical properties (such as structural, functional, and spatial information, amino acid conservation, physicochemical variation, residue mobility, and thermodynamic stability) indicates that this missense variant is expected to disrupt SMARCA4 protein function with a positive predictive value of 95%. In summary, the available evidence is currently insufficient to determine the role of this variant in disease. Therefore, it has been classified as a Variant of Uncertain Significance.

CeGaT Center for Human Genetics Tuebingen
Classification: Uncertain significance. Last evaluated: 2022-10-01. Review status: criteria provided, single submitter. Criteria: CeGaT Center For Human Genetics Tuebingen Variant Classification Criteria Version 2. Collection method: clinical testing. Allele origin: germline. Affected: yes. Observed: 2 variant alleles.
Comment: SMARCA4: PM2, PP2, PP3, BS2